The following is an entry in ClinVar:

NM_000048.4(ASL):c.722A>C (p.Glu241Ala)

Gene: ASL (argininosuccinate lyase; plus strand). Cytogenetic location: 7q11.21.
Variant type: single nucleotide variant.
Coding change: c.722A>C on transcript NM_000048.4 (MANE Select); coding-DNA position 722, A replaced by C.
Protein change: p.Glu241Ala; replaces glutamic acid 241 with alanine.
Molecular consequence: missense variant.
Genome position (GRCh38, 1-based): chr7:66,088,810, A>C. VCF-style: chr7-66088810-A-C. GRCh37 (hg19) VCF-style: chr7-65553797-A-C.
Other names: c.722A>C, p.Glu241Ala (NM_001024943.2, NM_001024944.2); c.644A>C, p.Glu215Ala (NM_001024946.2); short protein forms E241A, E215A.
Identifiers: ClinVar variation 529425 (VCV000529425.12), dbSNP rs924321091, ClinGen allele CA159933464.

ClinVar aggregate classification (germline): Conflicting classifications of pathogenicity. Review status: criteria provided, conflicting classifications (1 of 4 stars). 4 submissions from 4 submitters: Pathogenic (1); Likely pathogenic (1); Uncertain significance (1). 1 of the submissions does not count toward it. Last evaluated 2025-06-24.

Conditions:
Argininosuccinate lyase deficiency. Also called: ARGININOSUCCINIC ACID LYASE DEFICIENCY; ASL DEFICIENCY; Argininosuccinic aciduria. Identifiers: Orphanet 23, MedGen C0268547, MONDO:0008815, OMIM 207900, HP:0025630.

Allele frequency attached by ClinVar (database versions not stated): gnomAD exomes below 0.00001 and 0.00002; gnomAD 0.00001; TOPMed 0.00001.
gnomAD v4.1: 25 of 1,612,802 alleles (0.0016%); highest among the groups gnomAD compares: Non-Finnish European, 0.002%; no homozygotes.

Submissions (4):

Women's Health and Genetics/Laboratory Corporation of America, LabCorp
Classification: Uncertain significance. Last evaluated: 2025-06-24. Review status: criteria provided, single submitter. Criteria: LabCorp Variant Classification Summary - May 2015. Collection method: clinical testing. Allele origin: germline.
Comment: Variant summary: ASL c.722A>C (p.Glu241Ala) results in a non-conservative amino acid change located in the Fumarate lyase, N-terminal domain (IPR022761) of the encoded protein sequence. Algorithms developed to predict the effect of missense changes on protein structure and function all suggest that this variant is likely to be disruptive. The variant allele was found at a frequency of 4e-06 in 249206 control chromosomes. c.722A>C has been observed in two compound heterozygous individuals affected with Argininosuccinic Aciduria (LCG internal data). These data indicate that the variant may be associated with disease. To our knowledge, no experimental evidence demonstrating an impact on protein function has been reported. ClinVar contains an entry for this variant (Variation ID: 529425). Based on the evidence outlined above, the variant was classified as VUS-possibly pathogenic.

Labcorp Genetics (formerly Invitae), Labcorp
Classification: Pathogenic for Argininosuccinate lyase deficiency. Last evaluated: 2024-06-29. Review status: criteria provided, single submitter. Criteria: Invitae Variant Classification Sherloc (09022015). Collection method: clinical testing. Allele origin: germline.
Comment: This sequence change replaces glutamic acid, which is acidic and polar, with alanine, which is neutral and non-polar, at codon 241 of the ASL protein (p.Glu241Ala). This variant is present in population databases (no rsID available, gnomAD 0.0009%). This missense change has been observed in individual(s) with argininosuccinic aciduria (Invitae). In at least one individual the data is consistent with being in trans (on the opposite chromosome) from a pathogenic variant. ClinVar contains an entry for this variant (Variation ID: 529425). Advanced modeling of protein sequence and biophysical properties (such as structural, functional, and spatial information, amino acid conservation, physicochemical variation, residue mobility, and thermodynamic stability) performed at Invitae indicates that this missense variant is expected to disrupt ASL protein function with a positive predictive value of 95%. This variant disrupts the p.Glu241 amino acid residue in ASL. Other variant(s) that disrupt this residue have been observed in individuals with ASL-related conditions (PMID: 15164414), which suggests that this may be a clinically significant amino acid residue. For these reasons, this variant has been classified as Pathogenic.

Fulgent Genetics
Classification: Likely pathogenic for Argininosuccinate lyase deficiency. Last evaluated: 2024-06-19. Review status: criteria provided, single submitter. Criteria: ACMG Guidelines, 2015. Collection method: clinical testing. Allele origin: germline.

Natera, Inc.
Classification: Uncertain significance for Argininosuccinate lyase deficiency. Last evaluated: 2020-12-04. Review status: no assertion criteria provided. Collection method: clinical testing. Allele origin: germline. Not counted in ClinVar's aggregate classification.

Literature cited by the submitters: PubMed 15164414 (cited by Labcorp Genetics (formerly Invitae), Labcorp).